The following is an entry in ClinVar:

NM_000059.4(BRCA2):c.5106A>G (p.Pro1702=)

Gene: BRCA2 (BRCA2 DNA repair associated; plus strand). Cytogenetic location: 13q13.1.
Variant type: single nucleotide variant.
Coding change: c.5106A>G on transcript NM_000059.4 (MANE Select); coding-DNA position 5106, A replaced by G.
Protein change: p.Pro1702=; no amino-acid change (proline 1702 retained).
Molecular consequence: synonymous variant.
Genome position (GRCh38, 1-based): chr13:32,339,461, A>G. VCF-style: chr13-32339461-A-G. GRCh37 (hg19) VCF-style: chr13-32913598-A-G.
Identifiers: ClinVar variation 427521 (VCV000427521.7), dbSNP rs781587561, ClinGen allele CA6940847.

ClinVar aggregate classification (germline): Likely benign. Review status: reviewed by expert panel (3 of 4 stars). 2 submissions from 2 submitters: Likely benign (1). 1 of the submissions does not count toward it. Last evaluated 2017-06-29.

Conditions:
Hereditary cancer-predisposing syndrome. Also called: Hereditary neoplastic syndrome; Hereditary Cancer Syndrome; Neoplastic Syndromes, Hereditary; Tumor predisposition. Identifiers: Orphanet 140162, MedGen C0027672, MeSH D009386, MONDO:0015356.
Breast-ovarian cancer, familial, susceptibility to, 2 (BROVCA2). Also called: BRCA2 Hereditary Breast and Ovarian Cancer. Identifiers: Orphanet 145, MedGen C2675520, MONDO:0012933, OMIM 612555. Disease mechanism: loss of function.

Allele frequency attached by ClinVar (database versions not stated): gnomAD exomes below 0.00001 and 0.00001; ExAC 0.00002.
gnomAD v4.1: 4 of 1,587,594 alleles (0.00025%); highest among the groups gnomAD compares: South Asian, 0.0046%; no homozygotes.

Submissions (2):

Evidence-based Network for the Interpretation of Germline Mutant Alleles (ENIGMA)
Classification: Likely benign for Breast-ovarian cancer, familial, susceptibility to, 2. Last evaluated: 2017-06-29. Review status: reviewed by expert panel. Criteria: ENIGMA BRCA1/2 Classification Criteria (2017-06-29). Collection method: curation. Allele origin: germline.
Comment: Synonymous substitution variant, with low bioinformatic likelihood to result in a splicing aberration (Splicing prior probability 0.02).

Ambry Genetics
Classification: Likely benign for Hereditary cancer-predisposing syndrome. Last evaluated: 2016-10-04. Review status: criteria provided, single submitter. Criteria: Ambry Variant Classification Scheme 2023. Collection method: clinical testing. Allele origin: germline. Not counted in ClinVar's aggregate classification.